The following is an entry in ClinVar:

NM_015294.6(TRIM37):c.537dup (p.Arg180fs)

Gene: TRIM37 (tripartite motif containing 37; minus strand). Cytogenetic location: 17q22.
Variant type: Duplication.
Coding change: c.537dup on transcript NM_015294.6 (MANE Select); coding-DNA position 537, one base duplicated (T; older notation c.537dupT).
Protein change: p.Arg180fs; shifts the reading frame from arginine 180.
Molecular consequence: frameshift variant. On other transcripts: 5 prime UTR variant (1), non-coding transcript variant (2).
Genome position (GRCh38, 1-based): chr17:59,079,833, A duplicated on the plus strand (T on the coding strand, the reverse complement: TRIM37 is on the minus strand); the first of 2 consecutive A bases (chr17:59,079,833-59,079,834); duplicating either gives the same sequence. VCF-style (leftmost placement, unchanged base first): chr17-59079832-G-GA. GRCh37 (hg19) VCF-style: chr17-57157193-G-GA.
Other names: c.537dup, p.Arg180fs (NM_001005207.5, NM_001320988.3, NM_001320989.3 and 2 more transcripts); c.435dup, p.Arg146fs (NM_001320987.3, NM_001353082.2); c.171dup, p.Arg58fs (NM_001320990.3); c.-216dup (NM_001353083.2); c.75dup, p.Arg26fs (NM_001353085.2); short protein forms R146fs, R26fs, R58fs, R180fs.
Identifiers: ClinVar variation 2708178 (VCV002708178.3), dbSNP rs2546076865, ClinGen allele CA2697560232.

ClinVar aggregate classification (germline): Pathogenic (1 of 4 stars; one submission).

Submission:

Labcorp Genetics (formerly Invitae), Labcorp
Classification: Pathogenic. Last evaluated: 2024-01-07. Review status: criteria provided, single submitter. Criteria: Invitae Variant Classification Sherloc (09022015). Collection method: clinical testing. Allele origin: germline.
Comment: This sequence change creates a premature translational stop signal (p.Arg180Serfs*4) in the TRIM37 gene. It is expected to result in an absent or disrupted protein product. Loss-of-function variants in TRIM37 are known to be pathogenic (PMID: 10888877, 15108285). This variant is not present in population databases (gnomAD no frequency). This variant has not been reported in the literature in individuals affected with TRIM37-related conditions. For these reasons, this variant has been classified as Pathogenic.

Literature cited by the submitters: PubMed 10888877; PubMed 15108285.